The following is an entry in ClinVar:

NM_001385012.1(NBEA):c.6579C>T (p.Asp2193=)

Gene: NBEA (neurobeachin; plus strand). Cytogenetic location: 13q13.3.
Variant type: single nucleotide variant.
Coding change: c.6579C>T on transcript NM_001385012.1 (MANE Select); coding-DNA position 6579, C replaced by T.
Protein change: p.Asp2193=; no amino-acid change (aspartic acid 2193 retained).
Molecular consequence: synonymous variant.
Genome position (GRCh38, 1-based): chr13:35,472,530, C>T. VCF-style: chr13-35472530-C-T. GRCh37 (hg19) VCF-style: chr13-36046667-C-T.
Other names: c.6570C>T, p.Asp2190= (NM_001379245.1); c.6579C>T, p.Asp2193= (NM_015678.5).
Identifiers: ClinVar variation 4084972 (VCV004084972.8).
Genomic context (GRCh38, chr13:35,472,530, plus strand): 5'-CACCACGACAGAAATCTACTTCGAGGTAGATGAGGATGATTCTGCCTTCAAGAAGATCGA[C>T]ACGAAAGTGAGTTAAAGCGATTCCATGTACAGTATTGGTGGCTTTGTGGCAGGAAGTGGT-3'
Protein context (NP_001371941.1, residues 2183-2203): DEDDSAFKKI[Asp2193=]TKVLAYTEGL

ClinVar aggregate classification (germline): Likely benign (1 of 4 stars; one submission).

gnomAD v4.1: 42 of 1,614,012 alleles (0.0026%); highest among the groups gnomAD compares: Non-Finnish European, 0.0034%; no homozygotes.

Submission:

CeGaT Center for Human Genetics Tuebingen
Classification: Likely benign. Last evaluated: 2025-08-01. Review status: criteria provided, single submitter. Criteria: CeGaT Center For Human Genetics Tuebingen Variant Classification Criteria Version 2. Collection method: clinical testing. Allele origin: germline. Affected: yes. Observed: 1 variant allele.
Comment: NBEA: BP4, BS2